The following is an entry in ClinVar:

ClinVar aggregate classification (germline): Likely benign (1 of 4 stars; one submission).

Conditions:
LZTR1-related disorder. Also called: LZTR1-related disorders; LZTR1-related condition.

gnomAD v4.1: 2 of 1,603,552 alleles (0.00012%); highest among the groups gnomAD compares: East Asian, 0.0022%; no homozygotes.

Submission:

PreventionGenetics, part of Exact Sciences
Classification: Likely benign for LZTR1-related condition. Last evaluated: 2026-05-12. Review status: criteria provided, single submitter. Criteria: ACMG Guidelines, 2015. Collection method: clinical testing. Allele origin: germline.
Comment: This variant is classified as likely benign based on ACMG/AMP sequence variant interpretation guidelines (Richards et al. 2015 PMID: 25741868, with internal and published modifications).

NM_006767.4(LZTR1):c.791+10C>T

Gene: LZTR1 (leucine zipper like post translational regulator 1; plus strand). Cytogenetic location: 22q11.21.
Variant type: single nucleotide variant.
Coding change: c.791+10C>T on transcript NM_006767.4 (MANE Select); 10 bases into the intron after coding-DNA position 791, C replaced by T.
Molecular consequence: intron variant.
Genome position (GRCh38, 1-based): chr22:20,990,535, C>T. VCF-style: chr22-20990535-C-T. GRCh37 (hg19) VCF-style: chr22-21344824-C-T.
Identifiers: ClinVar variation 4993746 (VCV004993746.1).